The following is an entry in ClinVar:

NM_001382289.1(FSHB):c.*476A>G

Genes: ARL14EP-DT (ARL14EP divergent transcript; minus strand), FSHB (follicle stimulating hormone subunit beta; plus strand). Cytogenetic location: 11p14.1.
Variant type: single nucleotide variant.
Coding change: c.*476A>G on transcript NM_001382289.1 (MANE Select); 476 bases downstream of the stop codon, A replaced by G.
Molecular consequence: 3 prime UTR variant.
Genome position (GRCh38, 1-based): chr11:30,234,276, A>G. VCF-style: chr11-30234276-A-G. GRCh37 (hg19) VCF-style: chr11-30255823-A-G.
Other names: c.*476A>G (NM_000510.4, NM_001018080.3).
Identifiers: ClinVar variation 304280 (VCV000304280.6), dbSNP rs506197, ClinGen allele CA10634519.
Genomic context (GRCh38, chr11:30,234,276, plus strand): 5'-TCTTCAGCATTGTAGCGTCAATGCCTAGCACTCTGCCTGGAACTTAGAAACACAACAATG[A>G]CTTCTTTAGATCAGAAAGGTCAAGGGTAGAAAATACTGGAAGACGATGTTTGAGGTAAGC-3'

ClinVar aggregate classification (germline): Benign. Review status: criteria provided, multiple submitters, no conflicts (2 of 4 stars). 2 submissions from 2 submitters: Benign (2). Last evaluated 2018-01-12.

Conditions:
Hypogonadotropic hypogonadism 24 without anosmia (HH24). Also called: HYPOGONADOTROPIC HYPOGONADISM 24 WITH OR WITHOUT ANOSMIA; Follicle-stimulating hormone deficiency, isolated. Identifiers: Orphanet 52901, MedGen C5574957, MONDO:0009239, OMIM 229070.

Allele frequency attached by ClinVar (database versions not stated): gnomAD 0.48898 and 0.49408; TOPMed 0.49553; 1000 Genomes Project 0.55851; gnomAD exomes 0.48675; 1000 Genomes Project 30x 0.55653.

Submissions (2):

Illumina Laboratory Services, Illumina
Classification: Benign for Hypogonadotropic hypogonadism 24 without anosmia. Last evaluated: 2018-01-12. Review status: criteria provided, single submitter. Criteria: ICSL Variant Classification Criteria 13 December 2019. Collection method: clinical testing. Allele origin: germline.
Comment: This variant was observed in the ICSL laboratory as part of a predisposition screen in an ostensibly healthy population. It had not been previously curated by ICSL or reported in the Human Gene Mutation Database (HGMD: prior to June 1st, 2018), and was therefore a candidate for classification through an automated scoring system. Utilizing variant allele frequency, disease prevalence and penetrance estimates, and inheritance mode, an automated score was calculated to assess if this variant is too frequent to cause the disease. Based on the score and internal cut-off values, a variant classified as benign is not then subjected to further curation. The score for this variant resulted in a classification of benign for this disease.

Breakthrough Genomics
Classification: Benign. Review status: criteria provided, single submitter. Criteria: ACMG Guidelines, 2015. Collection method: not provided. Allele origin: germline. Inheritance: Autosomal recessive inheritance. Affected: yes.